The following is an entry in ClinVar:

ClinVar aggregate classification (germline): Benign. Review status: criteria provided, multiple submitters, no conflicts (2 of 4 stars). 3 submissions from 3 submitters: Benign (2). 1 of the submissions does not count toward it. Last evaluated 2019-12-31.

Conditions:
BMS1-related disorder. Also called: BMS1-related condition.

Allele frequency attached by ClinVar (database versions not stated): gnomAD exomes 0.00088 and 0.00329; gnomAD 0.00101 and 0.00135; 1000 Genomes Project 30x 0.00593; TOPMed 0.00172; 1000 Genomes Project 0.00679; ExAC 0.00325.
gnomAD v4.1: 1,568 of 1,614,170 alleles (0.097%); highest among the groups gnomAD compares: East Asian, 3.1%; 21 homozygotes.

Submissions (3):

Labcorp Genetics (formerly Invitae), Labcorp
Classification: Benign. Last evaluated: 2019-12-31. Review status: criteria provided, single submitter. Criteria: Invitae Variant Classification Sherloc (09022015). Collection method: clinical testing. Allele origin: germline.

Breakthrough Genomics
Classification: Benign. Review status: criteria provided, single submitter. Criteria: ACMG Guidelines, 2015. Collection method: not provided. Allele origin: germline. Inheritance: Autosomal dominant inheritance. Affected: yes.

PreventionGenetics, part of Exact Sciences
Classification: Benign for BMS1-related condition. Last evaluated: 2020-03-23. Review status: no assertion criteria provided. Collection method: clinical testing. Allele origin: germline. Not counted in ClinVar's aggregate classification.
Comment: This variant is classified as benign based on ACMG/AMP sequence variant interpretation guidelines (Richards et al. 2015 PMID: 25741868, with internal and published modifications).

NM_014753.4(BMS1):c.1654T>C (p.Ser552Pro)

Gene: BMS1 (BMS1 ribosome biogenesis factor; plus strand). Cytogenetic location: 10q11.21.
Variant type: single nucleotide variant.
Coding change: c.1654T>C on transcript NM_014753.4 (MANE Select); coding-DNA position 1654, T replaced by C.
Protein change: p.Ser552Pro; replaces serine 552 with proline.
Molecular consequence: missense variant.
Genome position (GRCh38, 1-based): chr10:42,796,898, T>C. VCF-style: chr10-42796898-T-C. GRCh37 (hg19) VCF-style: chr10-43292346-T-C.
Other names: short protein forms S552P.
Identifiers: ClinVar variation 782864 (VCV000782864.7), dbSNP rs3814621, ClinGen allele CA5475806.